The following is an entry in ClinVar:

ClinVar aggregate classification (germline): Uncertain significance (1 of 4 stars; one submission).

Submission:

Labcorp Genetics (formerly Invitae), Labcorp
Classification: Uncertain significance. Last evaluated: 2023-11-27. Review status: criteria provided, single submitter. Criteria: Invitae Variant Classification Sherloc (09022015). Collection method: clinical testing. Allele origin: germline.
Comment: This sequence change replaces isoleucine, which is neutral and non-polar, with leucine, which is neutral and non-polar, at codon 84 of the PSMB4 protein (p.Ile84Leu). This variant is not present in population databases (gnomAD no frequency). This variant has not been reported in the literature in individuals affected with PSMB4-related conditions. ClinVar contains an entry for this variant (Variation ID: 1484568). An algorithm developed to predict the effect of missense changes on protein structure and function (PolyPhen-2) suggests that this variant is likely to be tolerated. In summary, the available evidence is currently insufficient to determine the role of this variant in disease. Therefore, it has been classified as a Variant of Uncertain Significance.

NM_002796.3(PSMB4):c.250A>C (p.Ile84Leu)

Gene: PSMB4 (proteasome 20S subunit beta 4; plus strand). Cytogenetic location: 1q21.3.
Variant type: single nucleotide variant.
Coding change: c.250A>C on transcript NM_002796.3 (MANE Select); coding-DNA position 250, A replaced by C.
Protein change: p.Ile84Leu; replaces isoleucine 84 with leucine.
Molecular consequence: missense variant.
Genome position (GRCh38, 1-based): chr1:151,400,090, A>C. VCF-style: chr1-151400090-A-C. GRCh37 (hg19) VCF-style: chr1-151372566-A-C.
Other names: short protein forms I84L.
Identifiers: ClinVar variation 1484568 (VCV001484568.6), dbSNP rs1553209137, ClinGen allele CA341921183.